The following is an entry in ClinVar:

NM_024753.5(TTC21B):c.3031A>G (p.Met1011Val)

Gene: TTC21B (tetratricopeptide repeat domain 21B; minus strand). Cytogenetic location: 2q24.3.
Variant type: single nucleotide variant.
Coding change: c.3031A>G on transcript NM_024753.5 (MANE Select); coding-DNA position 3031, A replaced by G.
Protein change: p.Met1011Val; replaces methionine 1011 with valine.
Molecular consequence: missense variant.
Genome position (GRCh38, 1-based): chr2:165,890,908, T>C on the plus strand (A>G on the coding strand, the complement: TTC21B is on the minus strand). VCF-style: chr2-165890908-T-C. GRCh37 (hg19) VCF-style: chr2-166747418-T-C.
Other names: short protein forms M1011V.
Identifiers: ClinVar variation 2574341 (VCV002574341.1), dbSNP rs761842893, ClinGen allele CA1941611.

ClinVar aggregate classification (germline): Uncertain significance (1 of 4 stars; one submission).

Allele frequency attached by ClinVar (database versions not stated): gnomAD exomes below 0.00001; ExAC 0.00001; TOPMed 0.00003; gnomAD 0.00004; 1000 Genomes Project 30x 0.00016.

Submission:

GeneDx
Classification: Uncertain significance. Last evaluated: 2023-01-30. Review status: criteria provided, single submitter. Criteria: GeneDx Variant Classification Process June 2021. Collection method: clinical testing. Allele origin: germline. Affected: yes.
Comment: Not observed at significant frequency in large population cohorts (gnomAD); In silico analysis supports that this missense variant does not alter protein structure/function; Has not been previously published as pathogenic or benign to our knowledge